The following is an entry in ClinVar:

ClinVar aggregate classification (germline): Uncertain significance (1 of 4 stars; one submission).

Conditions:
CILK1-related disorder. Also called: CILK1-related condition.

Allele frequency attached by ClinVar (database versions not stated): ExAC 0.00001; gnomAD 0.00001; gnomAD exomes 0.00001; TOPMed 0.00001.
gnomAD v4.1: 12 of 1,584,284 alleles (0.00076%); highest among the groups gnomAD compares: African/African-American, 0.004%; no homozygotes.

Submission:

PreventionGenetics, part of Exact Sciences
Classification: Uncertain significance for CILK1-related condition. Last evaluated: 2023-01-27. Review status: criteria provided, single submitter. Criteria: ACMG Guidelines, 2015. Collection method: clinical testing. Allele origin: germline.
Comment: The CILK1 c.145C>T variant is predicted to result in the amino acid substitution p.Arg49Trp. To our knowledge, this variant has not been reported in the literature. This variant is reported in 0.013% of alleles in individuals of African descent in gnomAD. At this time, the clinical significance of this variant is uncertain due to the absence of conclusive functional and genetic evidence.

NM_014920.5(CILK1):c.145C>T (p.Arg49Trp)

Gene: CILK1 (ciliogenesis associated kinase 1; minus strand). Cytogenetic location: 6p12.1.
Variant type: single nucleotide variant.
Coding change: c.145C>T on transcript NM_014920.5 (MANE Select); coding-DNA position 145, C replaced by T.
Protein change: p.Arg49Trp; replaces arginine 49 with tryptophan.
Molecular consequence: missense variant. On other transcripts: non-coding transcript variant (1).
Genome position (GRCh38, 1-based): chr6:53,037,950, G>A on the plus strand (C>T on the coding strand, the complement: CILK1 is on the minus strand). VCF-style: chr6-53037950-G-A. GRCh37 (hg19) VCF-style: chr6-52902748-G-A.
Other names: c.145C>T, p.Arg49Trp (NM_001375397.1, NM_001375398.1, NM_001375399.1 and 4 more transcripts); short protein forms R49W.
Identifiers: ClinVar variation 2628739 (VCV002628739.1), dbSNP rs757511087, ClinGen allele CA3858876.